The following is an entry in ClinVar:

ClinVar aggregate classification (germline): Uncertain significance. Review status: criteria provided, multiple submitters, no conflicts (2 of 4 stars). 3 submissions from 3 submitters: Uncertain significance (3). Last evaluated 2025-09-17.

Conditions:
Myofibrillar myopathy 5. Also called: Filaminopathy (type); FILAMINOPATHY, AUTOSOMAL DOMINANT. Identifiers: Orphanet 171445, MedGen C1836050, MONDO:0012289, OMIM 609524.
Hypertrophic cardiomyopathy 26. Also called: Cardiomyopathy, familial hypertrophic, 26. Identifiers: Orphanet 75249, MedGen C4310749, MONDO:0014883, OMIM 617047.
Dilated Cardiomyopathy, Dominant.
Distal myopathy with posterior leg and anterior hand involvement. Also called: WILLIAMS DISTAL MYOPATHY. Identifiers: Orphanet 63273, MedGen C3279722, MONDO:0013550, OMIM 614065.
Cardiovascular phenotype. Identifiers: MedGen CN230736.

Allele frequency attached by ClinVar (database versions not stated): gnomAD 0.00001; TOPMed 0.00001.

Submissions (3):

Ambry Genetics
Classification: Uncertain significance for Cardiovascular phenotype. Last evaluated: 2025-09-17. Review status: criteria provided, single submitter. Criteria: Ambry Variant Classification Scheme 2023. Collection method: clinical testing. Allele origin: germline.
Comment: The p.R1751C variant (also known as c.5251C>T), located in coding exon 31 of the FLNC gene, results from a C to T substitution at nucleotide position 5251. The arginine at codon 1751 is replaced by cysteine, an amino acid with highly dissimilar properties. This amino acid position is conserved. In addition, this alteration is predicted to be tolerated by in silico analysis. Based on the available evidence, the clinical significance of this variant remains unclear.

Labcorp Genetics (formerly Invitae), Labcorp
Classification: Uncertain significance for Distal myopathy with posterior leg and anterior hand involvement; Myofibrillar myopathy 5; Hypertrophic cardiomyopathy 26. Last evaluated: 2024-01-19. Review status: criteria provided, single submitter. Criteria: Invitae Variant Classification Sherloc (09022015). Collection method: clinical testing. Allele origin: germline.
Comment: This sequence change replaces arginine, which is basic and polar, with cysteine, which is neutral and slightly polar, at codon 1751 of the FLNC protein (p.Arg1751Cys). This variant is not present in population databases (gnomAD no frequency). This variant has not been reported in the literature in individuals affected with FLNC-related conditions. ClinVar contains an entry for this variant (Variation ID: 645090). An algorithm developed to predict the effect of missense changes on protein structure and function (PolyPhen-2) suggests that this variant¬¨‚Ä†is likely to be tolerated. In summary, the available evidence is currently insufficient to determine the role of this variant in disease. Therefore, it has been classified as a Variant of Uncertain Significance.

Women's Health and Genetics/Laboratory Corporation of America, LabCorp
Classification: Uncertain significance. Last evaluated: 2023-08-19. Review status: criteria provided, single submitter. Criteria: LabCorp Variant Classification Summary - May 2015. Collection method: clinical testing. Allele origin: germline.

NM_001458.5(FLNC):c.5251C>T (p.Arg1751Cys)

Gene: FLNC (filamin C; plus strand). Cytogenetic location: 7q32.1.
Variant type: single nucleotide variant.
Coding change: c.5251C>T on transcript NM_001458.5 (MANE Select); coding-DNA position 5251, C replaced by T.
Protein change: p.Arg1751Cys; replaces arginine 1751 with cysteine.
Molecular consequence: missense variant. On other transcripts: intron variant (1).
Genome position (GRCh38, 1-based): chr7:128,850,027, C>T. VCF-style: chr7-128850027-C-T. GRCh37 (hg19) VCF-style: chr7-128490081-C-T.
Other names: c.5200-357C>T (NM_001127487.2); short protein forms R1751C.
Identifiers: ClinVar variation 645090 (VCV000645090.11), dbSNP rs1585165163, ClinGen allele CA369204638.
Genomic context (GRCh38, chr7:128,850,027, plus strand): 5'-CCTCCCCAGGCGTGTGACCCCCTGCCGCACGAGGAGGAGCCCTCTGAAGTGCCACAGCTG[C>T]GCCAGCCCTACGCTCCTCCCCGGCCCGGCGCCCGCCCCACACACTGGGTACTGCGCCTCC-3'
Protein context (NP_001449.3, residues 1741-1761): EEEPSEVPQL[Arg1751Cys]QPYAPPRPGA